The following is an entry in ClinVar:

NM_002180.3(IGHMBP2):c.1235+986T>C

Gene: IGHMBP2 (immunoglobulin mu DNA binding protein 2; plus strand). Cytogenetic location: 11q13.3.
Variant type: single nucleotide variant.
Coding change: c.1235+986T>C on transcript NM_002180.3 (MANE Select); 986 bases into the intron after coding-DNA position 1235, T replaced by C.
Molecular consequence: intron variant.
Genome position (GRCh38, 1-based): chr11:68,930,343, T>C. VCF-style: chr11-68930343-T-C. GRCh37 (hg19) VCF-style: chr11-68697811-T-C.
Identifiers: ClinVar variation 4986002 (VCV004986002.1).

ClinVar aggregate classification (germline): Likely benign (1 of 4 stars; one submission).

Conditions:
IGHMBP2-related disorder. Also called: IGHMBP2-related condition; IGHMBP2-related disorders.

gnomAD v4.1: 6 of 1,289,682 alleles (0.00047%); highest among the groups gnomAD compares: Non-Finnish European, 0.00051%; no homozygotes.

Submission:

PreventionGenetics, part of Exact Sciences
Classification: Likely benign for IGHMBP2-related condition. Last evaluated: 2026-05-06. Review status: criteria provided, single submitter. Criteria: ACMG Guidelines, 2015. Collection method: clinical testing. Allele origin: germline.
Comment: This variant is classified as likely benign based on ACMG/AMP sequence variant interpretation guidelines (Richards et al. 2015 PMID: 25741868, with internal and published modifications).